The following is an entry in ClinVar:

NC_000016.9:g.(?_2550259)_(3154076_?)del

Genes: AMDHD2 (amidohydrolase domain containing 2; plus strand), ATP6V0C (ATPase H+ transporting V0 subunit c; plus strand), BICDL2 (BICD family like cargo adaptor 2; minus strand), CEMP1 (cementum protein 1; minus strand), CLDN6 (claudin 6; minus strand) and 23 more. Cytogenetic location: 16p13.3.
Variant type: Deletion.
Identifiers: ClinVar variation 3243524 (VCV003243524.1).

ClinVar aggregate classification (germline): Pathogenic (1 of 4 stars; one submission).

Conditions:
Caused by mutation in the TBC1 domain family, member 24.
Developmental and epileptic encephalopathy, 1 (DEE1). Also called: INFANTILE SPASM SYNDROME, X-LINKED 1; X-linked infantile spasms; West's syndrome; Tonic spasms with clustering, arrest of psychomotor development and hypsarrhythmia on EEG; X-Linked Infantile Spasm Syndrome; OHTAHARA SYNDROME, X-LINKED. Identifiers: MedGen C3463992, MONDO:0010632, OMIM 308350. Disease mechanism: loss of function.
Autosomal dominant nonsyndromic hearing loss 65. Also called: Deafness, autosomal dominant 65; TBC1D24-Related Autosomal Dominant Nonsyndromic Hearing Loss (DFNA). Identifiers: Orphanet 90635, MedGen C3892048, MONDO:0014470, OMIM 616044.

Submission:

Labcorp Genetics (formerly Invitae), Labcorp
Classification: Pathogenic for Developmental and epileptic encephalopathy, 1; Autosomal dominant nonsyndromic hearing loss 65. Last evaluated: 2023-02-21. Review status: criteria provided, single submitter. Criteria: Invitae Variant Classification Sherloc (09022015). Collection method: clinical testing. Allele origin: unknown.
Comment: This variant is a gross deletion of the genomic region encompassing exon(s) 7-8 of the TBC1D24 gene, which includes the termination codon. This deletion extends beyond the assayed region for this gene and therefore may encompass additional genes. While this deletion is not anticipated to lead to nonsense mediated decay, it is expected to alter mRNA translation or result in a truncated protein product. This variant has not been reported in the literature in individuals affected with TBC1D24-related conditions. This variant disrupts a region of the TBC1D24 protein in which other variant(s) (p.Cys530Trp) have been determined to be pathogenic (Invitae). This suggests that this is a clinically significant region of the protein, and that variants that disrupt it are likely to be disease-causing. For these reasons, this variant has been classified as Pathogenic.